The following is an entry in ClinVar:

ClinVar aggregate classification (germline): Conflicting classifications of pathogenicity. Review status: criteria provided, conflicting classifications (1 of 4 stars). 4 submissions from 4 submitters: Uncertain significance (1); Likely benign (2). 1 of the submissions does not count toward it. Last evaluated 2026-01-19.

Conditions:
Hereditary cancer-predisposing syndrome. Also called: Neoplastic Syndromes, Hereditary; Hereditary neoplastic syndrome; Hereditary Cancer Syndrome; Tumor predisposition. Identifiers: Orphanet 140162, MedGen C0027672, MeSH D009386, MONDO:0015356.
POLD1-related polyposis and colorectal cancer syndrome (CRCS10). Also called: Colorectal cancer, susceptibility to, 10; Colorectal cancer 10; COLORECTAL CANCER, SUSCEPTIBILITY TO, ON CHROMOSOME 19q. Identifiers: Orphanet 220460, MedGen C2675481, MONDO:0012953, OMIM 612591.
POLD1-related disorder. Also called: POLD1-related disorders; POLD1-related condition.

Allele frequency attached by ClinVar (database versions not stated): TOPMed 0.00001; ExAC 0.00002; gnomAD 0.00003.
gnomAD v4.1: 10 of 1,574,716 alleles (0.00064%); highest among the groups gnomAD compares: Non-Finnish European, 0.00078%; no homozygotes.

Submissions (4):

Labcorp Genetics (formerly Invitae), Labcorp
Classification: Likely benign for POLD1-related polyposis and colorectal cancer syndrome. Last evaluated: 2026-01-19. Review status: criteria provided, single submitter. Criteria: Invitae Variant Classification Sherloc (09022015). Collection method: clinical testing. Allele origin: germline.

Sema4
Classification: Uncertain significance for Hereditary cancer-predisposing syndrome. Last evaluated: 2021-04-29. Review status: criteria provided, single submitter. Criteria: Sema4 Curation Guidelines. Collection method: curation. Allele origin: germline.
Comment: The POLD1 c.2562C>T (p.D854=) variant has not been reported in the literature to our knowledge. It was observed in 4/101506 chromosomes of the Non-Finnish European subpopulation in the large and broad cohorts of the Genome Aggregation Database. The variant has been reported in ClinVar (Variation ID: 414797). This variant involes a moderately conserved nucleotide, and in silico tools calculate an elimination of binding sites for exonic splicing enhancers, however the effect of this prediction has not been functionally validated. The evidence is insufficient to meet ACMG/AMP criteria for classifying the variant as benign or pathogenic. Thus, the clinical significance of this variant is currently uncertain.

Ambry Genetics
Classification: Likely benign for Hereditary cancer-predisposing syndrome. Last evaluated: 2016-03-22. Review status: criteria provided, single submitter. Criteria: Ambry Variant Classification Scheme 2023. Collection method: clinical testing. Allele origin: germline.

PreventionGenetics, part of Exact Sciences
Classification: Likely benign for POLD1-related condition. Last evaluated: 2019-11-08. Review status: no assertion criteria provided. Collection method: clinical testing. Allele origin: germline. Not counted in ClinVar's aggregate classification.
Comment: This variant is classified as likely benign based on ACMG/AMP sequence variant interpretation guidelines (Richards et al. 2015 PMID: 25741868, with internal and published modifications).

NM_002691.4(POLD1):c.2562C>T (p.Asp854=)

Gene: POLD1 (DNA polymerase delta 1, catalytic subunit; plus strand). Cytogenetic location: 19q13.33.
Variant type: single nucleotide variant.
Coding change: c.2562C>T on transcript NM_002691.4 (MANE Select); coding-DNA position 2562, C replaced by T.
Protein change: p.Asp854=; no amino-acid change (aspartic acid 854 retained).
Molecular consequence: synonymous variant. On other transcripts: non-coding transcript variant (1).
Genome position (GRCh38, 1-based): chr19:50,414,988, C>T. VCF-style: chr19-50414988-C-T. GRCh37 (hg19) VCF-style: chr19-50918245-C-T.
Other names: c.2562C>T, p.Asp854= (NM_001256849.1); c.2640C>T, p.Asp880= (NM_001308632.1).
Identifiers: ClinVar variation 414797 (VCV000414797.19), dbSNP rs746579020, ClinGen allele CA9596556.